The following is an entry in ClinVar:

NM_001318852.2(MAPK8IP3):c.3388C>G (p.Pro1130Ala)

Gene: MAPK8IP3 (mitogen-activated protein kinase 8 interacting protein 3; plus strand). Cytogenetic location: 16p13.3.
Variant type: single nucleotide variant.
Coding change: c.3388C>G on transcript NM_001318852.2 (MANE Select); coding-DNA position 3388, C replaced by G.
Protein change: p.Pro1130Ala; replaces proline 1130 with alanine.
Molecular consequence: missense variant.
Genome position (GRCh38, 1-based): chr16:1,767,714, C>G. VCF-style: chr16-1767714-C-G. GRCh37 (hg19) VCF-style: chr16-1817715-C-G.
Other names: c.3367C>G, p.Pro1123Ala (NM_001040439.2); c.3385C>G, p.Pro1129Ala (NM_015133.5); short protein forms P1123A, P1129A, P1130A.
Identifiers: ClinVar variation 3774673 (VCV003774673.1).

ClinVar aggregate classification (germline): Uncertain significance (1 of 4 stars; one submission).

Submission:

GeneDx
Classification: Uncertain significance. Last evaluated: 2024-09-25. Review status: criteria provided, single submitter. Criteria: GeneDx Variant Classification Process June 2021. Collection method: clinical testing. Allele origin: germline. Affected: yes.
Comment: Not observed at significant frequency in large population cohorts (gnomAD); In silico analysis supports that this missense variant has a deleterious effect on protein structure/function; Has not been previously published as pathogenic or benign to our knowledge